The following is an entry in ClinVar:

ClinVar aggregate classification (germline): Uncertain significance (1 of 4 stars; one submission).

Allele frequency attached by ClinVar (database versions not stated): TOPMed below 0.00001.

Submission:

GeneDx
Classification: Uncertain significance. Last evaluated: 2022-05-05. Review status: criteria provided, single submitter. Criteria: GeneDx Variant Classification Process June 2021. Collection method: clinical testing. Allele origin: germline. Affected: yes.
Comment: Not observed at significant frequency in large population cohorts (gnomAD); In silico analysis supports that this missense variant has a deleterious effect on protein structure/function; Has not been previously published as pathogenic or benign to our knowledge

NM_017646.6(TRIT1):c.632G>A (p.Gly211Asp)

Gene: TRIT1 (tRNA isopentenyltransferase 1; minus strand). Cytogenetic location: 1p34.2.
Variant type: single nucleotide variant.
Coding change: c.632G>A on transcript NM_017646.6 (MANE Select); coding-DNA position 632, G replaced by A.
Protein change: p.Gly211Asp; replaces glycine 211 with aspartic acid.
Molecular consequence: missense variant.
Genome position (GRCh38, 1-based): chr1:39,850,190, C>T on the plus strand (G>A on the coding strand, the complement: TRIT1 is on the minus strand). VCF-style: chr1-39850190-C-T. GRCh37 (hg19) VCF-style: chr1-40315862-C-T.
Other names: c.632G>A, p.Gly211Asp (NM_001312691.2); c.392G>A, p.Gly131Asp (NM_001312692.2); short protein forms G131D, G211D.
Identifiers: ClinVar variation 1683954 (VCV001683954.2), dbSNP rs1207948812, ClinGen allele CA339836651.